The following is an entry in ClinVar:

NM_001069.3(TUBB2A):c.363G>A (p.Arg121=)

Gene: TUBB2A (tubulin beta 2A class IIa; minus strand). Cytogenetic location: 6p25.2.
Variant type: single nucleotide variant.
Coding change: c.363G>A on transcript NM_001069.3 (MANE Select); coding-DNA position 363, G replaced by A.
Protein change: p.Arg121=; no amino-acid change (arginine 121 retained).
Molecular consequence: synonymous variant.
Genome position (GRCh38, 1-based): chr6:3,154,838, C>T on the plus strand (G>A on the coding strand, the complement: TUBB2A is on the minus strand). VCF-style: chr6-3154838-C-T. GRCh37 (hg19) VCF-style: chr6-3155072-C-T.
Other names: c.108G>A, p.Arg36= (NM_001310315.2).
Identifiers: ClinVar variation 382143 (VCV000382143.10), dbSNP rs143644817, ClinGen allele CA3619026.

ClinVar aggregate classification (germline): Benign. Review status: criteria provided, multiple submitters, no conflicts (2 of 4 stars). 2 submissions from 2 submitters: Benign (2). Last evaluated 2026-02-03.

Allele frequency attached by ClinVar (database versions not stated): gnomAD exomes 0.00287; ExAC 0.00357; gnomAD 0.01082 and 0.01142; ESP Exome Variant Server 0.01095; TOPMed 0.01189; 1000 Genomes Project 0.01258; 1000 Genomes Project 30x 0.01437.

Submissions (2):

Labcorp Genetics (formerly Invitae), Labcorp
Classification: Benign. Last evaluated: 2026-02-03. Review status: criteria provided, single submitter. Criteria: Invitae Variant Classification Sherloc (09022015). Collection method: clinical testing. Allele origin: germline.

GeneDx
Classification: Benign. Last evaluated: 2016-03-28. Review status: criteria provided, single submitter. Criteria: GeneDx Variant Classification (06012015). Collection method: clinical testing. Allele origin: germline. Affected: yes.
Comment: This variant is considered likely benign or benign based on one or more of the following criteria: it is a conservative change, it occurs at a poorly conserved position in the protein, it is predicted to be benign by multiple in silico algorithms, and/or has population frequency not consistent with disease.